The following is an entry in ClinVar:

NM_001048174.2(MUTYH):c.1192C>G (p.Arg398Gly)

Gene: MUTYH (mutY DNA glycosylase; minus strand). Cytogenetic location: 1p34.1.
Variant type: single nucleotide variant.
Coding change: c.1192C>G on transcript NM_001048174.2 (MANE Select); coding-DNA position 1192, C replaced by G.
Protein change: p.Arg398Gly; replaces arginine 398 with glycine.
Molecular consequence: missense variant. On other transcripts: non-coding transcript variant (7).
Genome position (GRCh38, 1-based): chr1:45,331,467, G>C on the plus strand (C>G on the coding strand, the complement: MUTYH is on the minus strand). VCF-style: chr1-45331467-G-C. GRCh37 (hg19) VCF-style: chr1-45797139-G-C.
Other names: c.1192C>G, p.Arg398Gly (NM_001048171.2, NM_001048173.2, NM_001293195.2 and 6 more transcripts); c.1195C>G, p.Arg399Gly (NM_001048172.2, NM_001407071.1, NM_001407078.1 and 1 more transcripts); c.1276C>G, p.Arg426Gly (NM_001128425.2); c.1237C>G, p.Arg413Gly (NM_001293190.2); c.1225C>G, p.Arg409Gly (NM_001293191.2, NM_001407069.1, NM_001407077.1); c.916C>G, p.Arg306Gly (NM_001293192.2, NM_001293196.2, NM_001407091.1); c.847C>G, p.Arg283Gly (NM_001350650.2, NM_001350651.2, NM_001407082.1); c.1108C>G, p.Arg370Gly (NM_001407075.1); and 5 more; short protein forms R370G, R384G, R398G, R405G, R423G, R426G, R306G, R399G.
Identifiers: ClinVar variation 3678075 (VCV003678075.2).

ClinVar aggregate classification (germline): Uncertain significance (1 of 4 stars; one submission).

Conditions:
Familial adenomatous polyposis 2. Also called: COLORECTAL ADENOMATOUS POLYPOSIS, AUTOSOMAL RECESSIVE; ADENOMAS, MULTIPLE COLORECTAL, AUTOSOMAL RECESSIVE; MYH-associated polyposis; Adenomas, multiple colorectal; FAP type 2; MUTYH-associated polyposis. Identifiers: Orphanet 220460, Orphanet 247798, MedGen C3272841, MONDO:0012041, OMIM 608456.

Submission:

Labcorp Genetics (formerly Invitae), Labcorp
Classification: Uncertain significance for Familial adenomatous polyposis 2. Last evaluated: 2024-06-19. Review status: criteria provided, single submitter. Criteria: Invitae Variant Classification Sherloc (09022015). Collection method: clinical testing. Allele origin: germline.
Comment: This sequence change replaces arginine, which is basic and polar, with glycine, which is neutral and non-polar, at codon 426 of the MUTYH protein (p.Arg426Gly). This variant is not present in population databases (gnomAD no frequency). This variant has not been reported in the literature in individuals affected with MUTYH-related conditions. An algorithm developed to predict the effect of missense changes on protein structure and function (PolyPhen-2) suggests that this variant is likely to be tolerated. In summary, the available evidence is currently insufficient to determine the role of this variant in disease. Therefore, it has been classified as a Variant of Uncertain Significance.